The following is an entry in ClinVar:

NM_002485.5(NBN):c.480+7T>A

Gene: NBN (nibrin; minus strand). Cytogenetic location: 8q21.3.
Variant type: single nucleotide variant.
Coding change: c.480+7T>A on transcript NM_002485.5 (MANE Select); 7 bases into the intron after coding-DNA position 480, T replaced by A.
Molecular consequence: intron variant.
Genome position (GRCh38, 1-based): chr8:89,980,727, A>T on the plus strand (T>A on the coding strand, the complement: NBN is on the minus strand). VCF-style: chr8-89980727-A-T. GRCh37 (hg19) VCF-style: chr8-90992955-A-T.
Other names: c.234+7T>A (NM_001024688.3, NM_001440379.1, NM_001440380.1).
Identifiers: ClinVar variation 4533050 (VCV004533050.1).

ClinVar aggregate classification (germline): Uncertain significance (1 of 4 stars; one submission).

Submission:

Quest Diagnostics Nichols Institute San Juan Capistrano
Classification: Uncertain significance. Last evaluated: 2025-02-18. Review status: criteria provided, single submitter. Criteria: Quest Diagnostics criteria. Collection method: clinical testing. Allele origin: unknown.
Comment: The NBN c.480+7T>A variant has not been reported in individuals with NBN-related conditions in the published literature. It also has not been reported in large, multi-ethnic general populations (Genome Aggregation Database). Analysis of this variant using software algorithms for the prediction of the effect of nucleotide changes on splicing yielded predictions that this variant does not affect NBN mRNA splicing. Based on the available information, we are unable to determine the clinical significance of this variant.